The following is an entry in ClinVar:

NM_170707.4(LMNA):c.1496C>A (p.Ala499Asp)

Gene: LMNA (lamin A/C; plus strand). Cytogenetic location: 1q22.
Variant type: single nucleotide variant.
Coding change: c.1496C>A on transcript NM_170707.4 (MANE Select); coding-DNA position 1496, C replaced by A.
Protein change: p.Ala499Asp; replaces alanine 499 with aspartic acid.
Molecular consequence: missense variant.
Genome position (GRCh38, 1-based): chr1:156,137,120, C>A. VCF-style: chr1-156137120-C-A. GRCh37 (hg19) VCF-style: chr1-156106911-C-A.
Other names: c.1160C>A, p.Ala387Asp (NM_001257374.3); c.1253C>A, p.Ala418Asp (NM_001282624.2); c.1496C>A, p.Ala499Asp (NM_001282625.2, NM_001282626.2, NM_005572.4 and 1 more transcripts); short protein forms A499D, A418D, A387D.
Identifiers: ClinVar variation 1472751 (VCV001472751.8), dbSNP rs2102894911, ClinGen allele CA342822988.

ClinVar aggregate classification (germline): Uncertain significance (1 of 4 stars; one submission).

Conditions:
Charcot-Marie-Tooth disease type 2. Also called: Charcot-Marie-Tooth type 2. Identifiers: Orphanet 64746, MedGen C0270914, MONDO:0018993.

Submission:

Labcorp Genetics (formerly Invitae), Labcorp
Classification: Uncertain significance for Charcot-Marie-Tooth disease type 2. Last evaluated: 2021-05-03. Review status: criteria provided, single submitter. Criteria: Invitae Variant Classification Sherloc (09022015). Collection method: clinical testing. Allele origin: germline.
Comment: In summary, the available evidence is currently insufficient to determine the role of this variant in disease. Therefore, it has been classified as a Variant of Uncertain Significance. Algorithms developed to predict the effect of missense changes on protein structure and function (SIFT, PolyPhen-2, Align-GVGD) all suggest that this variant is likely to be disruptive, but these predictions have not been confirmed by published functional studies and their clinical significance is uncertain. This variant has not been reported in the literature in individuals with LMNA-related conditions. This variant is not present in population databases (ExAC no frequency). This sequence change replaces alanine with aspartic acid at codon 499 of the LMNA protein (p.Ala499Asp). The alanine residue is highly conserved and there is a moderate physicochemical difference between alanine and aspartic acid.